The following is an entry in ClinVar:

ClinVar aggregate classification (germline): Uncertain significance. Review status: criteria provided, multiple submitters, no conflicts (2 of 4 stars). 3 submissions from 3 submitters: Uncertain significance (3). Last evaluated 2025-09-22.

Conditions:
Inborn genetic diseases. Identifiers: MedGen C0950123, MeSH D030342.
Acrocallosal syndrome (ACLS). Also called: HALLUX DUPLICATION, POSTAXIAL POLYDACTYLY, AND ABSENCE OF CORPUS CALLOSUM; Schinzel syndrome 1; Absence of corpus callosum with unusual facial appearance, mental deficiency, duplication of the halluces and polydactyly. Identifiers: Orphanet 36, MedGen C0796147, MONDO:0008708, OMIM 200990.

Submissions (3):

Ambry Genetics
Classification: Uncertain significance for Inborn genetic diseases. Last evaluated: 2025-09-22. Review status: criteria provided, single submitter. Criteria: Ambry Variant Classification Scheme 2023. Collection method: clinical testing. Allele origin: germline.

Labcorp Genetics (formerly Invitae), Labcorp
Classification: Uncertain significance for Acrocallosal syndrome. Last evaluated: 2024-02-17. Review status: criteria provided, single submitter. Criteria: Invitae Variant Classification Sherloc (09022015). Collection method: clinical testing. Allele origin: germline.
Comment: This sequence change replaces proline, which is neutral and non-polar, with threonine, which is neutral and polar, at codon 695 of the KIF7 protein (p.Pro695Thr). This variant is not present in population databases (gnomAD no frequency). This variant has not been reported in the literature in individuals affected with KIF7-related conditions. Advanced modeling of protein sequence and biophysical properties (such as structural, functional, and spatial information, amino acid conservation, physicochemical variation, residue mobility, and thermodynamic stability) performed at Invitae indicates that this missense variant is not expected to disrupt KIF7 protein function with a negative predictive value of 80%. In summary, the available evidence is currently insufficient to determine the role of this variant in disease. Therefore, it has been classified as a Variant of Uncertain Significance.

Blueprint Genetics
Classification: Uncertain significance. Last evaluated: 2023-09-05. Review status: criteria provided, single submitter. Criteria: ACMG Guidelines, 2015. Collection method: clinical testing. Allele origin: germline.

NM_198525.3(KIF7):c.2083C>A (p.Pro695Thr)

Gene: KIF7 (kinesin family member 7; minus strand). Cytogenetic location: 15q26.1.
Variant type: single nucleotide variant.
Coding change: c.2083C>A on transcript NM_198525.3 (MANE Select); coding-DNA position 2083, C replaced by A.
Protein change: p.Pro695Thr; replaces proline 695 with threonine.
Molecular consequence: missense variant.
Genome position (GRCh38, 1-based): chr15:89,645,121, G>T on the plus strand (C>A on the coding strand, the complement: KIF7 is on the minus strand). VCF-style: chr15-89645121-G-T. GRCh37 (hg19) VCF-style: chr15-90188352-G-T.
Other names: c.2083C>A (NM_198525.2); short protein forms P695T.
Identifiers: ClinVar variation 3621288 (VCV003621288.4).